The following is an entry in ClinVar:

ClinVar aggregate classification (germline): Pathogenic (1 of 4 stars; one submission).

Conditions:
Frontotemporal dementia and/or amyotrophic lateral sclerosis 4. Also called: FTDALS4. Identifiers: Orphanet 275872, MedGen C4225325, MONDO:0014641, OMIM 616439.

Allele frequency attached by ClinVar (database versions not stated): gnomAD exomes below 0.00001; TOPMed below 0.00001; gnomAD 0.00001.

Submission:

Labcorp Genetics (formerly Invitae), Labcorp
Classification: Pathogenic for Frontotemporal dementia and/or amyotrophic lateral sclerosis 4. Last evaluated: 2018-03-15. Review status: criteria provided, single submitter. Criteria: Invitae Variant Classification Sherloc (09022015). Collection method: clinical testing. Allele origin: germline.
Comment: Loss-of-function variants in TBK1 are known to be pathogenic (PMID: 25803835, 26476236, 26581300). For these reasons, this variant has been classified as Pathogenic. This variant has not been reported in the literature in individuals with TBK1-related disease. This variant is not present in population databases (ExAC no frequency). This sequence change creates a premature translational stop signal (p.Ile141Asnfs*22) in the TBK1 gene. It is expected to result in an absent or disrupted protein product.

Literature cited by the submitters: PubMed 25803835; PubMed 26476236; PubMed 26581300.

NM_013254.4(TBK1):c.421dup (p.Ile141fs)

Gene: TBK1 (TANK binding kinase 1; plus strand). Cytogenetic location: 12q14.2.
Variant type: Duplication.
Coding change: c.421dup on transcript NM_013254.4 (MANE Select); coding-DNA position 421, one base duplicated (A; older notation c.421dupA).
Protein change: p.Ile141fs; shifts the reading frame from isoleucine 141.
Molecular consequence: frameshift variant.
Genome position (GRCh38, 1-based): chr12:64,466,963, A duplicated. VCF-style (leftmost placement, unchanged base first): chr12-64466962-T-TA. GRCh37 (hg19) VCF-style: chr12-64860742-T-TA.
Other names: c.421dup, p.Ile141fs (LRG_1306t1); c.421dupA (NM_013254.3); short protein forms I141fs.
Identifiers: ClinVar variation 580261 (VCV000580261.6), dbSNP rs1565814492, ClinGen allele CA605708472.
Genomic context (GRCh38, chr12:64,466,962, plus strand): 5'-GGGTGGAATGAATCATCTACGAGAGAATGGTATAGTGCACCGTGATATCAAGCCAGGAAA[T>TA]ATCATGCGTGTTATAGGGGAAGATGGACAGTCTGTGTACAAACTCACAGATTTTGGTGCA-3'